The following is an entry in ClinVar:

NM_000128.4(F11):c.119C>T (p.Thr40Ile)

Gene: F11 (coagulation factor XI; plus strand). Cytogenetic location: 4q35.2.
Variant type: single nucleotide variant.
Coding change: c.119C>T on transcript NM_000128.4 (MANE Select); coding-DNA position 119, C replaced by T.
Protein change: p.Thr40Ile; replaces threonine 40 with isoleucine.
Molecular consequence: missense variant.
Genome position (GRCh38, 1-based): chr4:186,271,672, C>T. VCF-style: chr4-186271672-C-T. GRCh37 (hg19) VCF-style: chr4-187192826-C-T.
Other names: c.119C>T, p.Thr40Ile (NM_001354804.2, NM_001440590.1, NM_001440593.1 and 5 more transcripts); short protein forms T40I.
Identifiers: ClinVar variation 4536052 (VCV004536052.1).

ClinVar aggregate classification (germline): Uncertain significance (1 of 4 stars; one submission).

gnomAD v4.1: 1 of 1,614,166 alleles (0.000062%); highest among the groups gnomAD compares: African/African-American, 0.0013%; no homozygotes.

Submission:

Women's Health and Genetics/Laboratory Corporation of America, LabCorp
Classification: Uncertain significance. Last evaluated: 2025-09-23. Review status: criteria provided, single submitter. Criteria: LabCorp Variant Classification Summary - May 2015. Collection method: clinical testing. Allele origin: germline.
Comment: Variant summary: F11 c.119C>T (p.Thr40Ile) results in a non-conservative amino acid change in the encoded protein sequence. Algorithms developed to predict the effect of missense changes on protein structure and function are either unavailable or do not agree on the potential impact of this missense change. The variant was absent in 251474 control chromosomes (gnomAD). c.119C>T has been observed in an individual affected with AR-Hereditary Factor XI Deficiency Disease (Liu_2015). These data do not allow any conclusion about variant significance. At least one publication reports experimental evidence evaluating an impact on protein function. The most pronounced variant effect results in 10%-<30% of normal activity (Liu_2015). The following publication has been ascertained in the context of this evaluation (PMID: 25681615). No submitters have cited clinical-significance assessments for this variant to ClinVar. Based on the evidence outlined above, the variant was classified as VUS-possibly pathogenic.

Literature cited by the submitters: PubMed 25681615.